The following is an entry in ClinVar:

NM_000493.4(COL10A1):c.1783G>A (p.Gly595Arg)

Genes: COL10A1 (collagen type X alpha 1 chain; minus strand), NT5DC1 (5'-nucleotidase domain containing 1; plus strand). Cytogenetic location: 6q22.1.
Variant type: single nucleotide variant.
Coding change: c.1783G>A on transcript NM_000493.4 (MANE Select); coding-DNA position 1783, G replaced by A.
Protein change: p.Gly595Arg; replaces glycine 595 with arginine.
Molecular consequence: missense variant. On other transcripts: intron variant (1).
Genome position (GRCh38, 1-based): chr6:116,120,333, C>T on the plus strand (G>A on the coding strand, the complement: COL10A1 is on the minus strand). VCF-style: chr6-116120333-C-T. GRCh37 (hg19) VCF-style: chr6-116441496-C-T.
Other names: c.1783G>A, p.Gly595Arg (NM_001424106.1, NM_001424107.1); c.529+2388C>T (NM_152729.3); short protein forms G595R.
Identifiers: ClinVar variation 1525434 (VCV001525434.6), dbSNP rs2114278594, ClinGen allele CA365386878.
Genomic context (GRCh38, chr6:116,120,333, plus strand): 5'-ACAGGCCTACCCAAACATGAGTCCCTTTCACATGCACGTGGTATGAAAAATAGTATATTC[C>T]TGGTATCTGACAAGTAAAGATTCCAGTCCTTGGGTCATAATGCTGTTGCCTGTTATACAA-3'
Protein context (NP_000484.2, residues 585-605): RTGIFTCQIP[Gly595Arg]IYYFSYHVHV

ClinVar aggregate classification (germline): Likely pathogenic (1 of 4 stars; one submission).

Submission:

Labcorp Genetics (formerly Invitae), Labcorp
Classification: Likely pathogenic. Last evaluated: 2021-09-01. Review status: criteria provided, single submitter. Criteria: Invitae Variant Classification Sherloc (09022015). Collection method: clinical testing. Allele origin: germline.
Comment: In summary, the currently available evidence indicates that the variant is pathogenic, but additional data are needed to prove that conclusively. Therefore, this variant has been classified as Likely Pathogenic. This variant disrupts the p.Gly595 amino acid residue in COL10A1. Other variant(s) that disrupt this residue have been determined to be pathogenic (PMID: 7607655, 15880705). This suggests that this residue is clinically significant, and that variants that disrupt this residue are likely to be disease-causing. Algorithms developed to predict the effect of missense changes on protein structure and function are either unavailable or do not agree on the potential impact of this missense change (SIFT: "Deleterious"; PolyPhen-2: "Probably Damaging"; Align-GVGD: "Class C15"). This missense change has been observed in individuals with metaphyseal chondrodysplasia, Schmid type (PMID: 10721676, 15880705, 16088909). This variant is not present in population databases (ExAC no frequency). This sequence change replaces glycine with arginine at codon 595 of the COL10A1 protein (p.Gly595Arg). The glycine residue is highly conserved and there is a moderate physicochemical difference between glycine and arginine.

Literature cited by the submitters: PubMed 7607655; PubMed 15880705; PubMed 10721676; PubMed 16088909.